The following is an entry in ClinVar:

ClinVar aggregate classification (germline): Benign (1 of 4 stars; one submission).

Conditions:
Junctional epidermolysis bullosa with pyloric atresia. Also called: ITGB4-Related Epidermolysis Bullosa with Pyloric Atresia; ITGA6-Related Epidermolysis Bullosa with Pyloric Atresia; EPIDERMOLYSIS BULLOSA, JUNCTIONAL 5B, WITH PYLORIC ATRESIA; APLASIA CUTIS CONGENITA WITH GASTROINTESTINAL ATRESIA; CARMI SYNDROME; EB-PA-ACC. Identifiers: Orphanet 79403, MedGen C5676875, MONDO:0009183, OMIM 226730.

Allele frequency attached by ClinVar (database versions not stated): gnomAD 0.00038; TOPMed 0.00064; 1000 Genomes Project 0.00339; 1000 Genomes Project 30x 0.00344.

Submission:

Illumina Laboratory Services, Illumina
Classification: Benign for Junctional epidermolysis bullosa with pyloric atresia. Last evaluated: 2018-01-13. Review status: criteria provided, single submitter. Criteria: ICSL Variant Classification Criteria 13 December 2019. Collection method: clinical testing. Allele origin: germline.
Comment: This variant was observed in the ICSL laboratory as part of a predisposition screen in an ostensibly healthy population. It had not been previously curated by ICSL or reported in the Human Gene Mutation Database (HGMD: prior to June 1st, 2018), and was therefore a candidate for classification through an automated scoring system. Utilizing variant allele frequency, disease prevalence and penetrance estimates, and inheritance mode, an automated score was calculated to assess if this variant is too frequent to cause the disease. Based on the score and internal cut-off values, a variant classified as benign is not then subjected to further curation. The score for this variant resulted in a classification of benign for this disease.

NM_000210.4(ITGA6):c.*1655G>T

Genes: ITGA6 (integrin subunit alpha 6; plus strand), PDK1-AS1 (PDK1 and ITGA6 antisense RNA 1; minus strand). Cytogenetic location: 2q31.1.
Variant type: single nucleotide variant.
Coding change: c.*1655G>T on transcript NM_000210.4 (MANE Select); 1655 bases downstream of the stop codon, G replaced by T.
Molecular consequence: 3 prime UTR variant.
Genome position (GRCh38, 1-based): chr2:172,505,723, G>T. VCF-style: chr2-172505723-G-T. GRCh37 (hg19) VCF-style: chr2-173370451-G-T.
Other names: c.*1471G>T (NM_001079818.3, NM_001365529.2); c.*1655G>T (NM_001316306.2, NM_001365530.2).
Identifiers: ClinVar variation 332414 (VCV000332414.5), dbSNP rs117775734, ClinGen allele CA10611903.